The following is an entry in ClinVar:

ClinVar aggregate classification (germline): Uncertain significance (1 of 4 stars; one submission).

Conditions:
Inborn genetic diseases. Identifiers: MedGen C0950123, MeSH D030342.

Submission:

Ambry Genetics
Classification: Uncertain significance for Inborn genetic diseases. Last evaluated: 2024-02-22. Review status: criteria provided, single submitter. Criteria: Ambry Variant Classification Scheme 2023. Collection method: clinical testing. Allele origin: germline.
Comment: The c.107C>A (p.P36H) alteration is located in exon 1 (coding exon 1) of the KCNN2 gene. This alteration results from a C to A substitution at nucleotide position 107, causing the proline (P) at amino acid position 36 to be replaced by a histidine (H). This variant was not reported in population-based cohorts in the Genome Aggregation Database (gnomAD). This amino acid position is highly conserved in available vertebrate species. The in silico prediction for this alteration is inconclusive. Based on insufficient or conflicting evidence, the clinical significance of this alteration remains unclear.

NM_021614.4(KCNN2):c.743C>A (p.Pro248His)

Gene: KCNN2 (potassium calcium-activated channel subfamily N member 2; plus strand). Cytogenetic location: 5q22.3.
Variant type: single nucleotide variant.
Coding change: c.743C>A on transcript NM_021614.4 (MANE Select); coding-DNA position 743, C replaced by A.
Protein change: p.Pro248His; replaces proline 248 with histidine.
Molecular consequence: missense variant. On other transcripts: non-coding transcript variant (1).
Genome position (GRCh38, 1-based): chr5:114,362,882, C>A. VCF-style: chr5-114362882-C-A. GRCh37 (hg19) VCF-style: chr5-113698579-C-A.
Other names: c.941C>A, p.Pro314His (NM_001372233.1); short protein forms P314H, P248H.
Identifiers: ClinVar variation 3113447 (VCV003113447.1), dbSNP rs750469115, ClinGen allele CA360703233.
Genomic context (GRCh38, chr5:114,362,882, plus strand): 5'-ACTTGAGCGCGTCCCGCCGGAACCTGCACGAGATGGACTCAGAGGCGCAGCCCCTGCAGC[C>A]CCCCGCGTCTGTCGGAGGAGGTGGCGGCGCGTCCTCCCCGTCTGCAGCCGCTGCCGCCGC-3'
Protein context (NP_067627.3, residues 238-258): EMDSEAQPLQ[Pro248His]PASVGGGGGA